The following is an entry in ClinVar:

NM_001267550.2(TTN):c.103240G>T (p.Glu34414Ter)

Genes: TTN (titin; minus strand), TTN-AS1 (TTN antisense RNA 1; plus strand). Cytogenetic location: 2q31.2.
Variant type: single nucleotide variant.
Coding change: c.103240G>T on transcript NM_001267550.2 (MANE Select); coding-DNA position 103240, G replaced by T.
Protein change: p.Glu34414Ter; replaces glutamic acid 34414 with a stop codon.
Molecular consequence: nonsense.
Genome position (GRCh38, 1-based): chr2:178,533,375, C>A on the plus strand (G>T on the coding strand, the complement: TTN is on the minus strand). VCF-style: chr2-178533375-C-A. GRCh37 (hg19) VCF-style: chr2-179398102-C-A.
Other names: c.98317G>T, p.Glu32773Ter (NM_001256850.1); c.76045G>T, p.Glu25349Ter (NM_003319.4); c.95536G>T, p.Glu31846Ter (NM_133378.4); c.76420G>T, p.Glu25474Ter (NM_133432.3); c.76621G>T, p.Glu25541Ter (NM_133437.4); short protein forms E25474*, E25541*, E32773*, E34414*, E31846*, E25349*.
Identifiers: ClinVar variation 5031509 (VCV005031509.1).

ClinVar aggregate classification (germline): Likely pathogenic (1 of 4 stars; one submission).

Conditions:
Cardiovascular phenotype. Identifiers: MedGen CN230736.

Submission:

Ambry Genetics
Classification: Likely pathogenic for Cardiovascular phenotype. Last evaluated: 2026-09-04. Review status: criteria provided, single submitter. Criteria: Ambry Variant Classification Scheme 2023. Collection method: clinical testing. Allele origin: germline.
Comment: The p.E25349* variant (also known as c.76045G>T), located in coding exon 185 of the TTN gene, results from a G to T substitution at nucleotide position 76045. This changes the amino acid from a glutamic acid to a stop codon within coding exon 185. This exon is located in the M-band region of the N2-B isoform of the titin protein and is constitutively expressed in TTN transcripts (percent spliced in or PSI 100%). This variant is considered to be rare based on population cohorts in the Genome Aggregation Database (gnomAD). This variant is expected to result in loss of function by premature protein truncation or nonsense-mediated mRNA decay. While truncating variants in TTN are present in 1-3% of the general population, truncating variants in the M-band have been reported in association with autosomal recessive titinopathies, primarily presenting with skeletal myopathy phenotypes (Ceyhan-Birsoy O et al. Neurology. 2013 Oct 1;81(14):1205-14; De Cid R et al. Neurology. 2015;85(24):2126-35). Truncating variants in coding exon 185 of the M-band of the N2-B isoform have also been specifically associated with autosomal dominant dilated cardiomyopathy (Vatta M et al. Circ GenomPrecis Med. 2025 Feb:e004982). More generally, TTN truncating variants encoded in constitutive exons (PSI >90%) have been found to be significantly associated with dilated cardiomyopathy (DCM) regardless of their position, although truncating variants in the A-band are the most common cause of DCM (Herman DS et al. N. Engl. J. Med., 2012 Feb;366:619-28; Roberts AM et al. Sci Transl Med, 2015 Jan;7:270ra6; Schafer S et al. Nat. Genet., 2017 01;49:46-53; Akhtar MM et al. Circ Heart Fail, 2020 Oct;13:e006832; Massier M et al. Clin Genet, 2025 Jan). Based on the majority of available evidence to date, this variant is likely to be pathogenic.